The following is an entry in ClinVar:

NM_080680.3(COL11A2):c.4864-58CCCTCTGAGGCCAGCCCTCTCTCTCC[4]

Gene: COL11A2 (collagen type XI alpha 2 chain; minus strand). Cytogenetic location: 6p21.32.
Variant type: Microsatellite.
Coding change: c.4864-58CCCTCTGAGGCCAGCCCTCTCTCTCC[4] on transcript NM_080680.3 (MANE Select); four copies in a row of the 26-base unit CCCTCTGAGGCCAGCCCTCTCTCTCC starting at c.4864-58; the reference has two copies in a row; two copies, 52 bases duplicated.
Molecular consequence: intron variant.
Genome position (GRCh38, 1-based): chr6:33,164,480-33,164,531, 52 bases duplicated. GRCh37 (hg19), VCF-style position (the base before the change): chr6:33,132,256.
Other names: c.4543-58CCCTCTGAGGCCAGCCCTCTCTCTCC[4] (NM_080679.3); c.4606-58CCCTCTGAGGCCAGCCCTCTCTCTCC[4] (NM_080681.3); c.4864-58_4864-7dup52 (NM_080680.2).
Identifiers: ClinVar variation 1021535 (VCV001021535.8), dbSNP rs767389906, ClinGen allele CA566698793.

ClinVar aggregate classification (germline): Likely benign. Review status: criteria provided, single submitter (1 of 4 stars). 2 submissions from 2 submitters: Likely benign (1). 1 of the submissions does not count toward it. Last evaluated 2026-02-01.

Conditions:
COL11A2-related disorder. Also called: COL11A2-related condition; COL11A2-related disorders.

Submissions (2):

Labcorp Genetics (formerly Invitae), Labcorp
Classification: Likely benign. Last evaluated: 2026-02-01. Review status: criteria provided, single submitter. Criteria: Invitae Variant Classification Sherloc (09022015). Collection method: clinical testing. Allele origin: germline.

PreventionGenetics, part of Exact Sciences
Classification: Likely benign for COL11A2-related condition. Last evaluated: 2024-07-16. Review status: no assertion criteria provided. Collection method: clinical testing. Allele origin: germline. Not counted in ClinVar's aggregate classification.
Comment: This variant is classified as likely benign based on ACMG/AMP sequence variant interpretation guidelines (Richards et al. 2015 PMID: 25741868, with internal and published modifications).